The following is an entry in ClinVar:

NM_005202.4(COL8A2):c.1676G>A (p.Gly559Glu)

Gene: COL8A2 (collagen type VIII alpha 2 chain; minus strand). Cytogenetic location: 1p34.3.
Variant type: single nucleotide variant.
Coding change: c.1676G>A on transcript NM_005202.4 (MANE Select); coding-DNA position 1676, G replaced by A.
Protein change: p.Gly559Glu; replaces glycine 559 with glutamic acid.
Molecular consequence: missense variant.
Genome position (GRCh38, 1-based): chr1:36,098,005, C>T on the plus strand (G>A on the coding strand, the complement: COL8A2 is on the minus strand). VCF-style: chr1-36098005-C-T. GRCh37 (hg19) VCF-style: chr1-36563606-C-T.
Other names: c.1481G>A, p.Gly494Glu (NM_001294347.2); short protein forms G559E, G494E.
Identifiers: ClinVar variation 3268869 (VCV003268869.2).
Genomic context (GRCh38, chr1:36,098,005, plus strand): 5'-GCAGTGAAGGCCGGTGTGGCATGGGCAGACAGCTCGCCCAGCCCAAACTGTGGCTTGCCC[C>T]CCTTGCCCAGCACGGCACCCTCCACACCGCCGTTGGGCAGGTGCAAGCCTGCGATGCCAG-3'
Protein context (NP_005193.1, residues 549-569): GGVEGAVLGK[Gly559Glu]GKPQFGLGEL

ClinVar aggregate classification (germline): Uncertain significance. Review status: criteria provided, multiple submitters, no conflicts (2 of 4 stars). 2 submissions from 2 submitters: Uncertain significance (2). Last evaluated 2026-01-03.

Conditions:
Inborn genetic diseases. Identifiers: MedGen C0950123, MeSH D030342.

gnomAD v4.1: 42 of 1,599,708 alleles (0.0026%); highest among the groups gnomAD compares: Admixed American, 0.071%; no homozygotes.

Submissions (2):

Labcorp Genetics (formerly Invitae), Labcorp
Classification: Uncertain significance. Last evaluated: 2026-01-03. Review status: criteria provided, single submitter. Criteria: Invitae Variant Classification Sherloc (09022015). Collection method: clinical testing. Allele origin: germline.
Comment: This sequence change replaces glycine, which is neutral and non-polar, with glutamic acid, which is acidic and polar, at codon 559 of the COL8A2 protein (p.Gly559Glu). The frequency data for this variant in the population databases is considered unreliable, as metrics indicate poor data quality at this position in the gnomAD database. This variant has not been reported in the literature in individuals affected with COL8A2-related conditions. ClinVar contains an entry for this variant (Variation ID: 3268869). An algorithm developed to predict the effect of missense changes on protein structure and function (PolyPhen-2) suggests that this variant is likely to be tolerated. In summary, the available evidence is currently insufficient to determine the role of this variant in disease. Therefore, it has been classified as a Variant of Uncertain Significance.

Ambry Genetics
Classification: Uncertain significance for Inborn genetic diseases. Last evaluated: 2024-06-03. Review status: criteria provided, single submitter. Criteria: Ambry Variant Classification Scheme 2023. Collection method: clinical testing. Allele origin: germline.